The following is an entry in ClinVar:

ClinVar aggregate classification (germline): Uncertain significance. Review status: criteria provided, multiple submitters, no conflicts (2 of 4 stars). 2 submissions from 2 submitters: Uncertain significance (2). Last evaluated 2025-08-02.

Conditions:
Inborn genetic diseases. Identifiers: MedGen C0950123, MeSH D030342.

Allele frequency attached by ClinVar (database versions not stated): gnomAD 0.00001; TOPMed 0.00002.
gnomAD v4.1: 24 of 1,613,908 alleles (0.0015%); highest among the groups gnomAD compares: Non-Finnish European, 0.0019%; no homozygotes.

Submissions (2):

Ambry Genetics
Classification: Uncertain significance for Inborn genetic diseases. Last evaluated: 2025-08-02. Review status: criteria provided, single submitter. Criteria: Ambry Variant Classification Scheme 2023. Collection method: clinical testing. Allele origin: germline.

Labcorp Genetics (formerly Invitae), Labcorp
Classification: Uncertain significance. Last evaluated: 2022-06-03. Review status: criteria provided, single submitter. Criteria: Invitae Variant Classification Sherloc (09022015). Collection method: clinical testing. Allele origin: germline.
Comment: This sequence change replaces asparagine, which is neutral and polar, with isoleucine, which is neutral and non-polar, at codon 53 of the CTSK protein (p.Asn53Ile). This variant is present in population databases (no rsID available, gnomAD 0.002%). This variant has not been reported in the literature in individuals affected with CTSK-related conditions. Advanced modeling of protein sequence and biophysical properties (such as structural, functional, and spatial information, amino acid conservation, physicochemical variation, residue mobility, and thermodynamic stability) performed at Invitae indicates that this missense variant is expected to disrupt CTSK protein function. In summary, the available evidence is currently insufficient to determine the role of this variant in disease. Therefore, it has been classified as a Variant of Uncertain Significance.

NM_000396.4(CTSK):c.158A>T (p.Asn53Ile)

Gene: CTSK (cathepsin K; minus strand). Cytogenetic location: 1q21.3.
Variant type: single nucleotide variant.
Coding change: c.158A>T on transcript NM_000396.4 (MANE Select); coding-DNA position 158, A replaced by T.
Protein change: p.Asn53Ile; replaces asparagine 53 with isoleucine.
Molecular consequence: missense variant.
Genome position (GRCh38, 1-based): chr1:150,806,187, T>A on the plus strand (A>T on the coding strand, the complement: CTSK is on the minus strand). VCF-style: chr1-150806187-T-A. GRCh37 (hg19) VCF-style: chr1-150778663-T-A.
Other names: c.158A>T (NM_000396.3); short protein forms N53I.
Identifiers: ClinVar variation 2428246 (VCV002428246.5), dbSNP rs936779452, ClinGen allele CA30099222.
Genomic context (GRCh38, chr1:150,806,187, plus strand): 5'-AGTTCATATGTATGGACACCAAGAGAAGCCTCAAGGTTATGGATGGAAATATACTTCAGG[T>A]TTTTTTCCCAAATTAAACGCCGAGAGATTTCATCCACCTAAACAAAGCATAGTCAGTACT-3'
Protein context (NP_000387.1, residues 43-63): EISRRLIWEK[Asn53Ile]LKYISIHNLE